The following is an entry in ClinVar:

NM_001854.4(COL11A1):c.496C>T (p.Arg166Trp)

Gene: COL11A1 (collagen type XI alpha 1 chain; minus strand). Cytogenetic location: 1p21.1.
Variant type: single nucleotide variant.
Coding change: c.496C>T on transcript NM_001854.4 (MANE Select); coding-DNA position 496, C replaced by T.
Protein change: p.Arg166Trp; replaces arginine 166 with tryptophan.
Molecular consequence: missense variant. On other transcripts: non-coding transcript variant (1).
Genome position (GRCh38, 1-based): chr1:103,074,773, G>A on the plus strand (C>T on the coding strand, the complement: COL11A1 is on the minus strand). VCF-style: chr1-103074773-G-A. GRCh37 (hg19) VCF-style: chr1-103540329-G-A.
Other names: c.496C>T, p.Arg166Trp (NM_001190709.2, NM_080629.3, NM_080630.4); short protein forms R166W.
Identifiers: ClinVar variation 1300589 (VCV001300589.10), dbSNP rs780211105, ClinGen allele CA975425.

ClinVar aggregate classification (germline): Conflicting classifications of pathogenicity. Review status: criteria provided, conflicting classifications (1 of 4 stars). 4 submissions from 4 submitters: Uncertain significance (3); Benign (1). Last evaluated 2026-01-27.

Conditions:
COL11A1-related disorder. Also called: COL11A1-related condition; COL11A1-related disorders.
Inborn genetic diseases. Identifiers: MedGen C0950123, MeSH D030342.

Allele frequency attached by ClinVar (database versions not stated): gnomAD 0.00001; ExAC 0.00002; gnomAD exomes 0.00004 and 0.00006; TOPMed 0.00004.

Submissions (4):

Labcorp Genetics (formerly Invitae), Labcorp
Classification: Benign. Last evaluated: 2026-01-27. Review status: criteria provided, single submitter. Criteria: Invitae Variant Classification Sherloc (09022015). Collection method: clinical testing. Allele origin: germline.

PreventionGenetics, part of Exact Sciences
Classification: Uncertain significance for COL11A1-related condition. Last evaluated: 2025-02-07. Review status: criteria provided, single submitter. Criteria: ACMG Guidelines, 2015. Collection method: clinical testing. Allele origin: germline.
Comment: The COL11A1 c.496C>T variant is predicted to result in the amino acid substitution p.Arg166Trp. To our knowledge, this variant has not been reported in the literature. This variant is reported in 0.015% of alleles in individuals of Latino descent in gnomAD. At this time, the clinical significance of this variant is uncertain due to the absence of conclusive functional and genetic evidence.

Ambry Genetics
Classification: Uncertain significance for Inborn genetic diseases. Last evaluated: 2024-07-10. Review status: criteria provided, single submitter. Criteria: Ambry Variant Classification Scheme 2023. Collection method: clinical testing. Allele origin: germline.

GeneDx
Classification: Uncertain significance. Last evaluated: 2022-04-28. Review status: criteria provided, single submitter. Criteria: GeneDx Variant Classification Process June 2021. Collection method: clinical testing. Allele origin: germline. Affected: yes.
Comment: In silico analysis supports that this missense variant has a deleterious effect on protein structure/function; Has not been previously published as pathogenic or benign to our knowledge